The following is an entry in ClinVar:

NM_000180.4(GUCY2D):c.129_134del (p.Leu44_Leu45del)

Gene: GUCY2D (guanylate cyclase 2D, retinal; plus strand). Cytogenetic location: 17p13.1.
Variant type: Deletion.
Coding change: c.129_134del on transcript NM_000180.4 (MANE Select); coding-DNA positions 129 to 134, 6 bases deleted (TCTGCT; older notation c.129_134delTCTGCT).
Protein change: p.Leu44_Leu45del.
Molecular consequence: inframe deletion.
Genome position (GRCh38, 1-based): chr17:8,003,176-8,003,181, TCTGCT deleted; deleting any 6 consecutive bases within chr17:8,003,171-8,003,181 gives the same sequence; the c. name uses the placement nearest the transcript's 3' end. VCF-style (leftmost placement, unchanged base first): chr17-8003170-CCTGCTT-C. GRCh37 (hg19) VCF-style: chr17-7906488-CCTGCTT-C.
Other names: NM_000180.4(GUCY2D):c.129_134del; p.Leu44_Leu45del; c.129_134del6 (NM_000180.3); c.129_134delTCTGCT (NM_000180.3, NM_000180.4).
Identifiers: ClinVar variation 283615 (VCV000283615.74), dbSNP rs552184470, ClinGen allele CA8365473.

ClinVar aggregate classification (germline): Benign. Review status: reviewed by expert panel (3 of 4 stars). 19 submissions from 18 submitters: Benign (1). 18 of the submissions do not count toward it. Last evaluated 2025-01-30.

Conditions:
Cone-rod dystrophy 6 (CORD6). Also called: RETINAL CONE DYSTROPHY 2; Cone dystrophy progressive. Identifiers: Orphanet 1872, MedGen C1866293, MONDO:0011143, OMIM 601777.
Choroidal dystrophy, central areolar, 1. Identifiers: Orphanet 75377, MedGen C4551884, MONDO:0024539, OMIM 215500.
Leber congenital amaurosis 1 (LCA1). Also called: AMAUROSIS CONGENITA OF LEBER I; RETINAL BLINDNESS, CONGENITAL; Congenital absence of the rods and cones; Leber's congenital tapetoretinal degeneration; Leber's congenital tapetoretinal dysplasia. Identifiers: Orphanet 65, MedGen C2931258, MONDO:0008764, OMIM 204000.
Night blindness, congenital stationary, type1i. Also called: NIGHT BLINDNESS, CONGENITAL STATIONARY, TYPE 1I. Identifiers: MedGen C5231408, MONDO:0032811, OMIM 618555.
GUCY2D-related recessive retinopathy. Also called: Recessive GUCY2D retinopathy. Identifiers: MedGen CN305603, MONDO:0100453.
GUCY2D-related disorder. Also called: GUCY2D-related condition.
Retinal dystrophy. Also called: Inherited retinal dystrophy. Identifiers: Orphanet 71862, MedGen C0854723, MeSH D058499, MONDO:0019118, HP:0000556.
Abnormal electroretinogram. Identifiers: MedGen C0476397, HP:0000512.
Nystagmus. Identifiers: MedGen C0028738, MONDO:0004843, HP:0000639.

Submissions (19):

ClinGen Leber Congenital Amaurosis/early Onset Retinal Dystrophy Variant Curation Expert Panel, ClinGen
Classification: Benign for GUCY2D-related recessive retinopathy. Last evaluated: 2025-01-30. Review status: reviewed by expert panel. Criteria: ClinGen LCAeoRD ACMG Specifications GUCY2D V1.0.0. Collection method: curation. Allele origin: germline. Inheritance: Autosomal recessive inheritance.
Comment: The NM_000180.4(GUCY2D):c.129_134del (p.Leu44_Leu45del) variant is the deletion of 2 amino acids from a repetitive region of the protein's leader sequence. This variant is present in gnomAD v4.1.0 at a GrpMax allele frequency of 0.005906, with 514 alleles / 80814 total alleles in the South Asian population, which is higher than the ClinGen LCA/eoRD VCEP BS1 threshold of >0.0016 (BS1). This variant has been found in the homozygous state in 21 adult individuals in gnomAD which exceeds the LCA/eoRD VCEP threshold of ≥6 (gnomAD version 4.1.0; BS2). In summary, this variant meets the criteria to be classified as Benign for GUCY2D-related recessive retinopathy based on the ACMG/AMP criteria applied, as specified by the ClinGen LCA/eoRD VCEP: BS1, BS2. (VCEP specifications version 1.0.0; date of approval 01/22/2025).

CeGaT Center for Human Genetics Tuebingen
Classification: Likely benign. Last evaluated: 2026-03-01. Review status: criteria provided, single submitter. Criteria: CeGaT Center For Human Genetics Tuebingen Variant Classification Criteria Version 2. Collection method: clinical testing. Allele origin: germline. Affected: yes. Observed: 4 variant alleles. Not counted in ClinVar's aggregate classification.
Comment: GUCY2D: BS2

Labcorp Genetics (formerly Invitae), Labcorp
Classification: Likely benign for Leber congenital amaurosis 1; Cone-rod dystrophy 6. Last evaluated: 2026-01-27. Review status: criteria provided, single submitter. Criteria: Invitae Variant Classification Sherloc (09022015). Collection method: clinical testing. Allele origin: germline. Not counted in ClinVar's aggregate classification.

PreventionGenetics, part of Exact Sciences
Classification: Benign for GUCY2D-related condition. Last evaluated: 2025-12-15. Review status: criteria provided, single submitter. Criteria: ACMG Guidelines, 2015. Collection method: clinical testing. Allele origin: germline. Not counted in ClinVar's aggregate classification.
Comment: This variant is classified as benign based on ACMG/AMP sequence variant interpretation guidelines (Richards et al. 2015 PMID: 25741868, with internal and published modifications).

Women's Health and Genetics/Laboratory Corporation of America, LabCorp
Classification: Likely benign. Last evaluated: 2025-01-03. Review status: criteria provided, single submitter. Criteria: LabCorp Variant Classification Summary - May 2015. Collection method: clinical testing. Allele origin: germline. Not counted in ClinVar's aggregate classification.
Comment: Variant summary: GUCY2D c.129_134delTCTGCT (p.Leu44_Leu45del) results in an in-frame deletion that is predicted to remove two amino acids from the encoded protein. The variant allele was found at a frequency of 0.0018 in 108698 control chromosomes (including one homozygote), predominantly at a frequency of 0.005 within the South Asian subpopulation in the gnomAD database. The observed variant frequency within South Asian control individuals in the gnomAD database is approximately 2 fold of the estimated maximal expected allele frequency for a pathogenic variant in GUCY2D causing Leber Congenital Amaurosis phenotype (0.0022). ClinVar contains an entry for this variant (Variation ID: 283615). Based on the evidence outlined above, the variant was classified as likely benign.

Blueprint Genetics
Classification: Likely benign. Last evaluated: 2024-11-23. Review status: criteria provided, single submitter. Criteria: ACMG Guidelines, 2015. Collection method: clinical testing. Allele origin: germline. Not counted in ClinVar's aggregate classification.

Fulgent Genetics
Classification: Uncertain significance for Leber congenital amaurosis 1; Choroidal dystrophy, central areolar, 1; Cone-rod dystrophy 6; Night blindness, congenital stationary, type1i. Last evaluated: 2024-04-07. Review status: criteria provided, single submitter. Criteria: ACMG Guidelines, 2015. Collection method: clinical testing. Allele origin: germline. Not counted in ClinVar's aggregate classification.

Institute of Human Genetics, Univ. Regensburg, Univ. Regensburg
Classification: Uncertain significance for Retinal dystrophy. Last evaluated: 2023-01-01. Review status: criteria provided, single submitter. Criteria: ACMG Guidelines, 2015. Collection method: clinical testing. Allele origin: germline. Affected: yes. Not counted in ClinVar's aggregate classification.

Department of Pathology and Laboratory Medicine, Sinai Health System
Classification: Uncertain significance for Leber congenital amaurosis 1; Choroidal dystrophy, central areolar, 1; Cone-rod dystrophy 6; Night blindness, congenital stationary, type1i. Last evaluated: 2021-07-30. Review status: criteria provided, single submitter. Criteria: ACMG Guidelines, 2015. Collection method: research. Allele origin: germline. Not counted in ClinVar's aggregate classification.

Institute of Medical Molecular Genetics, University of Zurich
Classification: Likely pathogenic for Leber congenital amaurosis 1. Last evaluated: 2021-01-30. Review status: criteria provided, single submitter. Criteria: ACMG Guidelines, 2015. Collection method: clinical testing. Allele origin: unknown. Affected: yes. Not counted in ClinVar's aggregate classification.

Mendelics
Classification: Uncertain significance for Cone-rod dystrophy 6. Last evaluated: 2019-05-28. Review status: criteria provided, single submitter. Criteria: Mendelics Assertion Criteria 2017. Collection method: clinical testing. Allele origin: unknown. Not counted in ClinVar's aggregate classification.

Genomic Research Center, Shahid Beheshti University of Medical Sciences
Classification: Uncertain significance. Last evaluated: 2019-01-01. Review status: criteria provided, single submitter. Criteria: ACMG Guidelines, 2015. Collection method: clinical testing. Allele origin: unknown. Affected: no. Observed: 1 variant allele. Not counted in ClinVar's aggregate classification.

GeneDx
Classification: Uncertain significance. Last evaluated: 2017-03-28. Review status: criteria provided, single submitter. Criteria: GeneDx Variant Classification (06012015). Collection method: clinical testing. Allele origin: germline. Affected: yes. Not counted in ClinVar's aggregate classification.
Comment: The c.129_134delTCTGCT variant in the GUCY2D gene has been reported previously in individuals with Leber congenital amaurosis or retinal dystrophy, but limited information was provided on the affected individuals (Stone et al., 2007; Sergouniotis et al., 2016). The c.129_134delTCTGCT variant causes an in-frame deletion of two Leucine residues starting at codon Leucine 44 amino acid, denoted p.Leu44_Leu45del. This amino acid deletion occurs at a position in a poly Leucine region that is not conserved. Reliable data is not available in large population cohorts to assess the frequency of the c.129_134delTCTGCT variant; however, it was observed in 176/63508 (0.277%) alleles from individuals undergoing testing at GeneDx (Lek et al., 2016; 1000 Genomes Consortium et al., 2015; Exome Variant Server). We interpret c.129_134delTCTGCT as a variant of uncertain significance.

Centre for Mendelian Genomics, University Medical Centre Ljubljana
Classification: Likely pathogenic for Choroidal dystrophy, central areolar, 1. Last evaluated: 2016-01-01. Review status: criteria provided, single submitter. Criteria: ACMG Guidelines, 2015. Collection method: clinical testing. Allele origin: unknown. Affected: yes. Not counted in ClinVar's aggregate classification.
Comment: This variant was classified as: Likely pathogenic.

Eurofins Ntd Llc (ga)
Classification: Uncertain significance. Last evaluated: 2015-10-13. Review status: criteria provided, single submitter. Criteria: EGL Classification Definitions 2015. Collection method: clinical testing. Allele origin: germline. Observed: 2 variant alleles, 2 heterozygotes. Not counted in ClinVar's aggregate classification.

Centre for Mendelian Genomics, University Medical Centre Ljubljana
Classification: Likely pathogenic for Abnormal electroretinogram; Nystagmus. Last evaluated: 2014-07-11. Review status: criteria provided, single submitter. Criteria: ACMG Guidelines, 2015. Collection method: clinical testing. Allele origin: unknown. Affected: yes. Not counted in ClinVar's aggregate classification.

Zotz-Klimas Genetics Lab, MVZ Zotz Klimas
Classification: Uncertain significance for Cone-rod dystrophy 6. Last evaluated: 2023-10-30. Review status: no assertion criteria provided. Collection method: clinical testing. Allele origin: germline. Affected: yes. Not counted in ClinVar's aggregate classification.

Clinical Genetics DNA and cytogenetics Diagnostics Lab, Erasmus MC, Erasmus Medical Center
Classification: Uncertain significance. Review status: no assertion criteria provided. Collection method: clinical testing. Allele origin: germline. Affected: yes. Study: VKGL Data-share Consensus. Not counted in ClinVar's aggregate classification.

Clinical Genetics, Academic Medical Center
Classification: Uncertain significance. Review status: no assertion criteria provided. Collection method: clinical testing. Allele origin: germline. Affected: yes. Study: VKGL Data-share Consensus. Not counted in ClinVar's aggregate classification.

Literature cited by the submitters: PubMed 17964524 (cited by Institute of Human Genetics, Univ. Regensburg, Univ. Regensburg and Eurofins Ntd Llc (ga)); PubMed 31964843 (cited by Institute of Human Genetics, Univ. Regensburg, Univ. Regensburg); PubMed 34426522 (cited by Institute of Human Genetics, Univ. Regensburg, Univ. Regensburg).